The following is an entry in ClinVar:

NM_000094.4(COL7A1):c.7439G>A (p.Arg2480Gln)

Gene: COL7A1 (collagen type VII alpha 1 chain; minus strand). Cytogenetic location: 3p21.31.
Variant type: single nucleotide variant.
Coding change: c.7439G>A on transcript NM_000094.4 (MANE Select); coding-DNA position 7439, G replaced by A.
Protein change: p.Arg2480Gln; replaces arginine 2480 with glutamine.
Molecular consequence: missense variant.
Genome position (GRCh38, 1-based): chr3:48,570,276, C>T on the plus strand (G>A on the coding strand, the complement: COL7A1 is on the minus strand). VCF-style: chr3-48570276-C-T. GRCh37 (hg19) VCF-style: chr3-48607709-C-T.
Other names: short protein forms R2480Q.
Identifiers: ClinVar variation 2177387 (VCV002177387.4), dbSNP rs770180997, ClinGen allele CA2378508.
Genomic context (GRCh38, chr3:48,570,276, plus strand): 5'-GAAATCAGAGGCAAGAGCTGGGATGAAGGGAGTTCGGCTGTGGAGTAAGACATACGTACC[C>T]GGATGCCTGGCTCCCCACGCTCGCCTCGGGGCCCAGGCAGCCCTACTCCAGGGTCTCCCT-3'
Protein context (NP_000085.1, residues 2470-2490): PRGERGEPGI[Arg2480Gln]GEDGRPGQEG

ClinVar aggregate classification (germline): Uncertain significance. Review status: criteria provided, multiple submitters, no conflicts (2 of 4 stars). 2 submissions from 2 submitters: Uncertain significance (2). Last evaluated 2025-03-27.

Conditions:
Inborn genetic diseases. Identifiers: MedGen C0950123, MeSH D030342.

Allele frequency attached by ClinVar (database versions not stated): ExAC 0.00002; gnomAD 0.00002; TOPMed 0.00002.
gnomAD v4.1: 36 of 1,613,598 alleles (0.0022%); highest among the groups gnomAD compares: Middle Eastern, 0.016%; no homozygotes.

Submissions (2):

Labcorp Genetics (formerly Invitae), Labcorp
Classification: Uncertain significance. Last evaluated: 2025-03-27. Review status: criteria provided, single submitter. Criteria: Invitae Variant Classification Sherloc (09022015). Collection method: clinical testing. Allele origin: germline.
Comment: This sequence change replaces arginine, which is basic and polar, with glutamine, which is neutral and polar, at codon 2480 of the COL7A1 protein (p.Arg2480Gln). This variant is present in population databases (rs770180997, gnomAD 0.01%). This variant has not been reported in the literature in individuals affected with COL7A1-related conditions. ClinVar contains an entry for this variant (Variation ID: 2177387). Invitae Evidence Modeling of protein sequence and biophysical properties (such as structural, functional, and spatial information, amino acid conservation, physicochemical variation, residue mobility, and thermodynamic stability) has been performed for this missense variant. However, the output from this modeling did not meet the statistical confidence thresholds required to predict the impact of this variant on COL7A1 protein function. In summary, the available evidence is currently insufficient to determine the role of this variant in disease. Therefore, it has been classified as a Variant of Uncertain Significance.

Ambry Genetics
Classification: Uncertain significance for Inborn genetic diseases. Last evaluated: 2024-10-22. Review status: criteria provided, single submitter. Criteria: Ambry Variant Classification Scheme 2023. Collection method: clinical testing. Allele origin: germline.